The following is an entry in ClinVar:

NM_006231.4(POLE):c.4667G>A (p.Arg1556Gln)

Gene: POLE (DNA polymerase epsilon, catalytic subunit; minus strand). Cytogenetic location: 12q24.33.
Variant type: single nucleotide variant.
Coding change: c.4667G>A on transcript NM_006231.4 (MANE Select); coding-DNA position 4667, G replaced by A.
Protein change: p.Arg1556Gln; replaces arginine 1556 with glutamine.
Molecular consequence: missense variant.
Genome position (GRCh38, 1-based): chr12:132,642,881, C>T on the plus strand (G>A on the coding strand, the complement: POLE is on the minus strand). VCF-style: chr12-132642881-C-T. GRCh37 (hg19) VCF-style: chr12-133219467-C-T.
Other names: short protein forms R1556Q.
Identifiers: ClinVar variation 240533 (VCV000240533.20), dbSNP rs762965148, ClinGen allele CA6892748.
Genomic context (GRCh38, chr12:132,642,881, plus strand): 5'-TTGTAGGCGAGCAGGAATCGCTGGATGGCTCTGCAGATGGTCTTCAGGTCAGTTTCTGCC[C>T]GAACTTCGAAGGTGTGTTTGGGGGGTGGCAGGAGCTCAGGGCCCACCTTCTCCAGGAGGA-3'
Protein context (NP_006222.2, residues 1546-1566): LPPPKHTFEV[Arg1556Gln]AETDLKTICR

ClinVar aggregate classification (germline): Uncertain significance. Review status: criteria provided, multiple submitters, no conflicts (2 of 4 stars). 6 submissions from 6 submitters: Uncertain significance (5). 1 of the submissions does not count toward it. Last evaluated 2026-01-31.

Conditions:
Polymerase proofreading-related adenomatous polyposis. Also called: Polymerase proofreading associated polyposis; Polymerase proofreading–associated polyposis (PPAP). Identifiers: Orphanet 447877, MedGen C5202613, MONDO:0018653.
POLE-related disorder. Also called: POLE-related disorders; POLE-related condition.
Hereditary cancer-predisposing syndrome. Also called: Tumor predisposition; Neoplastic Syndromes, Hereditary; Hereditary Cancer Syndrome; Hereditary neoplastic syndrome. Identifiers: Orphanet 140162, MedGen C0027672, MeSH D009386, MONDO:0015356.

Allele frequency attached by ClinVar (database versions not stated): gnomAD 0.00001; TOPMed 0.00001; ExAC 0.00003; gnomAD exomes 0.00004 and 0.00007.
gnomAD v4.1: 108 of 1,613,768 alleles (0.0067%); highest among the groups gnomAD compares: South Asian, 0.0088%; no homozygotes.

Submissions (6):

Labcorp Genetics (formerly Invitae), Labcorp
Classification: Uncertain significance. Last evaluated: 2026-01-31. Review status: criteria provided, single submitter. Criteria: Invitae Variant Classification Sherloc (09022015). Collection method: clinical testing. Allele origin: germline.
Comment: This sequence change replaces arginine, which is basic and polar, with glutamine, which is neutral and polar, at codon 1556 of the POLE protein (p.Arg1556Gln). This variant is present in population databases (rs762965148, gnomAD 0.02%). This missense change has been observed in individual(s) with clinical features of POLE-related conditions (PMID: 32792570). ClinVar contains an entry for this variant (Variation ID: 240533). Invitae Evidence Modeling of protein sequence and biophysical properties (such as structural, functional, and spatial information, amino acid conservation, physicochemical variation, residue mobility, and thermodynamic stability) indicates that this missense variant is not expected to disrupt POLE protein function with a negative predictive value of 80%. In summary, the available evidence is currently insufficient to determine the role of this variant in disease. Therefore, it has been classified as a Variant of Uncertain Significance.

Women's Health and Genetics/Laboratory Corporation of America, LabCorp
Classification: Uncertain significance. Last evaluated: 2025-04-08. Review status: criteria provided, single submitter. Criteria: LabCorp Variant Classification Summary - May 2015. Collection method: clinical testing. Allele origin: germline.
Comment: Variant summary: POLE c.4667G>A (p.Arg1556Gln) results in a conservative amino acid change located in the DNA polymerase epsilon, catalytic subunit A, C-terminal domain (IPR013697) of the encoded protein sequence. Four of five in-silico tools predict a benign effect of the variant on protein function. The variant allele was found at a frequency of 4e-05 in 250962 control chromosomes (gnomAD). This frequency is not significantly higher than estimated for a pathogenic variant in POLE causing Facial Dysmorphism, Immunodeficiency, Livedo, and Short Stature (4e-05 vs 0.0011), allowing no conclusion about variant significance. c.4667G>A has been reported in the literature in individuals affected with Hereditary Non-polyposis Colorectal Cancer (Mur_2020) or with triple-negative breast cancer (Bhai_2021), including in the presence of an alternate pathogenic variant. These report(s) do not provide unequivocal conclusions about association of the variant with Facial Dysmorphism, Immunodeficiency, Livedo, And Short Stature. The following publications have been ascertained in the context of this evaluation (PMID: 32792570, 34326862). ClinVar contains an entry for this variant (Variation ID: 240533). Based on the evidence outlined above, the variant was classified as uncertain significance.

Ambry Genetics
Classification: Uncertain significance for Hereditary cancer-predisposing syndrome. Last evaluated: 2024-07-30. Review status: criteria provided, single submitter. Criteria: Ambry Variant Classification Scheme 2023. Collection method: clinical testing. Allele origin: germline.
Comment: The p.R1556Q variant (also known as c.4667G>A), located in coding exon 36 of the POLE gene, results from a G to A substitution at nucleotide position 4667. The arginine at codon 1556 is replaced by glutamine, an amino acid with highly similar properties. This amino acid position is highly conserved in available vertebrate species. In addition, this alteration is predicted to be tolerated by in silico analysis. Based on the available evidence, the clinical significance of this variant remains unclear.

GeneDx
Classification: Uncertain significance. Last evaluated: 2022-10-24. Review status: criteria provided, single submitter. Criteria: GeneDx Variant Classification Process June 2021. Collection method: clinical testing. Allele origin: germline. Affected: yes.
Comment: In silico analysis, which includes protein predictors and evolutionary conservation, supports that this variant does not alter protein structure/function; Has not been previously published as pathogenic or benign to our knowledge

Department of Pathology and Laboratory Medicine, Sinai Health System
Classification: Uncertain significance for Polymerase proofreading-related adenomatous polyposis. Last evaluated: 2020-02-26. Review status: criteria provided, single submitter. Criteria: ACMG Guidelines, 2015. Collection method: clinical testing. Allele origin: germline. Affected: yes.

PreventionGenetics, part of Exact Sciences
Classification: Uncertain significance for POLE-related condition. Last evaluated: 2024-03-29. Review status: no assertion criteria provided. Collection method: clinical testing. Allele origin: germline. Not counted in ClinVar's aggregate classification.
Comment: The POLE c.4667G>A variant is predicted to result in the amino acid substitution p.Arg1556Gln. This variant was reported in an individual with epithelial ovarian cancer (Song et al. 2021. PubMed ID: 32546565, Supplementary Table 6). This variant is reported in 0.016% of alleles in individuals of South Asian descent in gnomAD and is interpreted as uncertain in ClinVar. At this time, the clinical significance of this variant is uncertain due to the absence of conclusive functional and genetic evidence.

Literature cited by the submitters: PubMed 32792570 (cited by Labcorp Genetics (formerly Invitae), Labcorp and Women's Health and Genetics/Laboratory Corporation of America, LabCorp); PubMed 34326862 (cited by Women's Health and Genetics/Laboratory Corporation of America, LabCorp).